The following is an entry in ClinVar:

NM_001199198.3(TBC1D23):c.1031G>A (p.Arg344His)

Gene: TBC1D23 (TBC1 domain family member 23; plus strand). Cytogenetic location: 3q12.1.
Variant type: single nucleotide variant.
Coding change: c.1031G>A on transcript NM_001199198.3 (MANE Select); coding-DNA position 1031, G replaced by A.
Protein change: p.Arg344His; replaces arginine 344 with histidine.
Molecular consequence: missense variant.
Genome position (GRCh38, 1-based): chr3:100,299,270, G>A. VCF-style: chr3-100299270-G-A. GRCh37 (hg19) VCF-style: chr3-100018114-G-A.
Other names: c.1031G>A, p.Arg344His (NM_018309.5); short protein forms R344H.
Identifiers: ClinVar variation 1695858 (VCV001695858.3), dbSNP rs539006102, ClinGen allele CA2514624.

ClinVar aggregate classification (germline): Uncertain significance (1 of 4 stars; one submission).

Allele frequency attached by ClinVar (database versions not stated): gnomAD exomes below 0.00001; ExAC 0.00001; gnomAD 0.00001; TOPMed 0.00001; 1000 Genomes Project 30x 0.00016; 1000 Genomes Project 0.00020.
gnomAD v4.1: 4 of 1,612,500 alleles (0.00025%); highest among the groups gnomAD compares: African/African-American, 0.0013%; no homozygotes.

Submission:

GeneDx
Classification: Uncertain significance. Last evaluated: 2025-11-06. Review status: criteria provided, single submitter. Criteria: GeneDx Variant Classification Process June 2021. Collection method: clinical testing. Allele origin: germline. Affected: yes.
Comment: Not observed at significant frequency in large population cohorts (gnomAD); In silico analysis supports that this missense variant has a deleterious effect on protein structure/function; Has not been previously published as pathogenic or benign to our knowledge